The following is an entry in ClinVar:

NM_024529.5(CDC73):c.917G>A (p.Gly306Asp)

Gene: CDC73 (cell division cycle 73; plus strand). Cytogenetic location: 1q31.2.
Variant type: single nucleotide variant.
Coding change: c.917G>A on transcript NM_024529.5 (MANE Select); coding-DNA position 917, G replaced by A.
Protein change: p.Gly306Asp; replaces glycine 306 with aspartic acid.
Molecular consequence: missense variant.
Genome position (GRCh38, 1-based): chr1:193,152,389, G>A. VCF-style: chr1-193152389-G-A. GRCh37 (hg19) VCF-style: chr1-193121519-G-A.
Other names: short protein forms G306D.
Identifiers: ClinVar variation 1060275 (VCV001060275.12), dbSNP rs2103133623, ClinGen allele CA343965747.

ClinVar aggregate classification (germline): Uncertain significance. Review status: criteria provided, multiple submitters, no conflicts (2 of 4 stars). 2 submissions from 2 submitters: Uncertain significance (2). Last evaluated 2025-11-10.

Conditions:
Hereditary cancer-predisposing syndrome. Also called: Neoplastic Syndromes, Hereditary; Hereditary Cancer Syndrome; Hereditary neoplastic syndrome; Tumor predisposition. Identifiers: Orphanet 140162, MedGen C0027672, MeSH D009386, MONDO:0015356.
Parathyroid carcinoma (PRTC). Also called: CDC73-Related Parathyroid Carcinoma; Parathyroid gland carcinoma. Identifiers: Orphanet 143, MedGen C0687150, MONDO:0012004, OMIM 608266, HP:0006780.

Submissions (2):

Labcorp Genetics (formerly Invitae), Labcorp
Classification: Uncertain significance for Parathyroid carcinoma. Last evaluated: 2025-11-10. Review status: criteria provided, single submitter. Criteria: Invitae Variant Classification Sherloc (09022015). Collection method: clinical testing. Allele origin: germline.
Comment: This sequence change replaces glycine, which is neutral and non-polar, with aspartic acid, which is acidic and polar, at codon 306 of the CDC73 protein (p.Gly306Asp). This variant is not present in population databases (gnomAD no frequency). This variant has not been reported in the literature in individuals affected with CDC73-related conditions. ClinVar contains an entry for this variant (Variation ID: 1060275). Invitae Evidence Modeling of protein sequence and biophysical properties (such as structural, functional, and spatial information, amino acid conservation, physicochemical variation, residue mobility, and thermodynamic stability) indicates that this missense variant is not expected to disrupt CDC73 protein function with a negative predictive value of 80%. In summary, the available evidence is currently insufficient to determine the role of this variant in disease. Therefore, it has been classified as a Variant of Uncertain Significance.

Ambry Genetics
Classification: Uncertain significance for Hereditary cancer-predisposing syndrome. Last evaluated: 2025-11-03. Review status: criteria provided, single submitter. Criteria: Ambry Variant Classification Scheme 2023. Collection method: clinical testing. Allele origin: germline.
Comment: The p.G306D variant (also known as c.917G>A), located in coding exon 10 of the CDC73 gene, results from a G to A substitution at nucleotide position 917. The glycine at codon 306 is replaced by aspartic acid, an amino acid with similar properties. This amino acid position is highly conserved in available vertebrate species. In addition, the in silico prediction for this alteration is inconclusive. Based on the available evidence, the clinical significance of this variant remains unclear.